The following continues an entry in ClinVar:

NM_007294.4(BRCA1):c.4166G>A (p.Ser1389Asn)

Gene: BRCA1. ClinVar aggregate classification (germline): Conflicting classifications of pathogenicity. Uncertain significance (7); Benign (1); Likely benign (4).

Submissions 11 to 16 of 16:

GeneDx
Classification: Likely benign. Last evaluated: 2017-10-16. Review status: criteria provided, single submitter. Criteria: GeneDx Variant Classification (06012015). Collection method: clinical testing. Allele origin: germline. Affected: yes.
Comment: This variant is considered likely benign or benign based on one or more of the following criteria: it is a conservative change, it occurs at a poorly conserved position in the protein, it is predicted to be benign by multiple in silico algorithms, and/or has population frequency not consistent with disease.

Laboratory of Molecular Diagnosis of Cancer, West China Hospital, Sichuan University
Classification: Uncertain significance for Breast neoplasm. Last evaluated: 2015-11-01. Review status: criteria provided, single submitter. Criteria: ACMG Guidelines, 2015. Collection method: research. Allele origin: germline. Affected: yes. Observed: 2 variant alleles.

Counsyl
Classification: Uncertain significance for Breast-ovarian cancer, familial, susceptibility to, 1. Last evaluated: 2017-12-29. Review status: no assertion criteria provided. Collection method: clinical testing. Allele origin: unknown. Not counted in ClinVar's aggregate classification.

Sharing Clinical Reports Project (SCRP)
Classification: Likely benign for Breast-ovarian cancer, familial 1. Last evaluated: 2012-10-04. Review status: no assertion criteria provided. Collection method: clinical testing. Allele origin: germline. Not counted in ClinVar's aggregate classification.

Breast Cancer Information Core (BIC) (BRCA1)
Classification: Uncertain significance for Breast-ovarian cancer, familial 1. Last evaluated: 2009-08-07. Review status: no assertion criteria provided. Collection method: clinical testing. Allele origin: germline. Affected: yes. Observed: 2 variant alleles. Not counted in ClinVar's aggregate classification.

Center for Precision Medicine, Meizhou People's Hospital
Classification: Uncertain significance for Familial cancer of breast. Review status: no assertion criteria provided. Collection method: literature only. Allele origin: germline. Affected: yes. Not counted in ClinVar's aggregate classification.

Literature cited by the submitters: PubMed 23064986 (cited by Women's Health and Genetics/Laboratory Corporation of America, LabCorp); PubMed 20981092 (cited by Women's Health and Genetics/Laboratory Corporation of America, LabCorp and Ambry Genetics); PubMed 21318380 (cited by 5 submitters); PubMed 18835712 (cited by 6 submitters); PubMed 26332594 (cited by Women's Health and Genetics/Laboratory Corporation of America, LabCorp and Quest Diagnostics Nichols Institute San Juan Capistrano); PubMed 27157322 (cited by 3 submitters); PubMed 27257965 (cited by 8 submitters); PubMed 30078507 (cited by 4 submitters); PubMed 30702160 (cited by Women's Health and Genetics/Laboratory Corporation of America, LabCorp and Quest Diagnostics Nichols Institute San Juan Capistrano); PubMed 31360874 (cited by 4 submitters); PubMed 31825140 (cited by Women's Health and Genetics/Laboratory Corporation of America, LabCorp and Quest Diagnostics Nichols Institute San Juan Capistrano); PubMed 35918668 (cited by Women's Health and Genetics/Laboratory Corporation of America, LabCorp and Ambry Genetics); PubMed 35734583 (cited by Women's Health and Genetics/Laboratory Corporation of America, LabCorp and Ambry Genetics); PubMed 22486713 (cited by 5 submitters); PubMed 32566972 (cited by Quest Diagnostics Nichols Institute San Juan Capistrano); PubMed 31853058 (cited by Quest Diagnostics Nichols Institute San Juan Capistrano); PubMed 33087888 (cited by Quest Diagnostics Nichols Institute San Juan Capistrano); PubMed 32355288 (cited by Quest Diagnostics Nichols Institute San Juan Capistrano); PubMed 32467295 (cited by Quest Diagnostics Nichols Institute San Juan Capistrano and Sema4); PubMed 17686308 (cited by Quest Diagnostics Nichols Institute San Juan Capistrano); PubMed 33471991 (cited by Sema4 and Department of Pathology and Laboratory Medicine, Sinai Health System); PubMed 32817299 (cited by Sema4).